The following is an entry in ClinVar:

ClinVar aggregate classification (germline): Uncertain significance. Review status: criteria provided, multiple submitters, no conflicts (2 of 4 stars). 4 submissions from 4 submitters: Uncertain significance (4). Last evaluated 2024-10-26.

Conditions:
Alstrom syndrome (ALMS). Identifiers: Orphanet 64, MedGen C0268425, MONDO:0008763, OMIM 203800.
Cardiovascular phenotype. Identifiers: MedGen CN230736.

Allele frequency attached by ClinVar (database versions not stated): gnomAD 0.00001; ExAC 0.00002; TOPMed 0.00002.
gnomAD v4.1: 24 of 1,613,962 alleles (0.0015%); highest among the groups gnomAD compares: Middle Eastern, 0.016%; no homozygotes.

Submissions (4):

Labcorp Genetics (formerly Invitae), Labcorp
Classification: Uncertain significance for Alstrom syndrome. Last evaluated: 2024-10-26. Review status: criteria provided, single submitter. Criteria: Invitae Variant Classification Sherloc (09022015). Collection method: clinical testing. Allele origin: germline.
Comment: This sequence change replaces valine, which is neutral and non-polar, with methionine, which is neutral and non-polar, at codon 3317 of the ALMS1 protein (p.Val3317Met). This variant is present in population databases (rs773202952, gnomAD 0.002%). This variant has not been reported in the literature in individuals affected with ALMS1-related conditions. ClinVar contains an entry for this variant (Variation ID: 1802062). An algorithm developed to predict the effect of missense changes on protein structure and function outputs the following: PolyPhen-2: "Not Available". The methionine amino acid residue is found in multiple mammalian species, which suggests that this missense change does not adversely affect protein function. In summary, the available evidence is currently insufficient to determine the role of this variant in disease. Therefore, it has been classified as a Variant of Uncertain Significance.

Blueprint Genetics
Classification: Uncertain significance. Last evaluated: 2024-04-22. Review status: criteria provided, single submitter. Criteria: ACMG Guidelines, 2015. Collection method: clinical testing. Allele origin: germline.

Ambry Genetics
Classification: Uncertain significance for Cardiovascular phenotype. Last evaluated: 2023-02-23. Review status: criteria provided, single submitter. Criteria: Ambry Variant Classification Scheme 2023. Collection method: clinical testing. Allele origin: germline.
Comment: The p.V3317M variant (also known as c.9949G>A), located in coding exon 13 of the ALMS1 gene, results from a G to A substitution at nucleotide position 9949. The valine at codon 3317 is replaced by methionine, an amino acid with highly similar properties. This amino acid position is well conserved in available vertebrate species. In addition, this alteration is predicted to be tolerated by in silico analysis. Since supporting evidence is limited at this time, the clinical significance of this alteration remains unclear.

GeneDx
Classification: Uncertain significance. Last evaluated: 2022-06-01. Review status: criteria provided, single submitter. Criteria: GeneDx Variant Classification Process June 2021. Collection method: clinical testing. Allele origin: germline. Affected: yes.
Comment: Not observed at significant frequency in large population cohorts (gnomAD); In silico analysis supports that this missense variant does not alter protein structure/function; Has not been previously published as pathogenic or benign to our knowledge

NM_001378454.1(ALMS1):c.9946G>A (p.Val3316Met)

Gene: ALMS1 (ALMS1 centrosome and basal body associated protein; plus strand). Cytogenetic location: 2p13.1.
Variant type: single nucleotide variant.
Coding change: c.9946G>A on transcript NM_001378454.1 (MANE Select); coding-DNA position 9946, G replaced by A.
Protein change: p.Val3316Met; replaces valine 3316 with methionine.
Molecular consequence: missense variant.
Genome position (GRCh38, 1-based): chr2:73,550,305, G>A. VCF-style: chr2-73550305-G-A. GRCh37 (hg19) VCF-style: chr2-73777432-G-A.
Other names: c.9949G>A, p.Val3317Met (NM_015120.4); short protein forms V3316M, V3317M.
Identifiers: ClinVar variation 1802062 (VCV001802062.6), dbSNP rs773202952, ClinGen allele CA1714838.